The following is an entry in ClinVar:

NM_017849.4(TMEM127):c.33C>T (p.Gly11=)

Genes: TMEM127 (transmembrane protein 127; minus strand), LOC129934333 (ATAC-STARR-seq lymphoblastoid silent region 11759; plus strand). Cytogenetic location: 2q11.2.
Variant type: single nucleotide variant.
Coding change: c.33C>T on transcript NM_017849.4 (MANE Select); coding-DNA position 33, C replaced by T.
Protein change: p.Gly11=; no amino-acid change (glycine 11 retained).
Molecular consequence: synonymous variant.
Genome position (GRCh38, 1-based): chr2:96,265,349, G>A on the plus strand (C>T on the coding strand, the complement: TMEM127 is on the minus strand). VCF-style: chr2-96265349-G-A. GRCh37 (hg19) VCF-style: chr2-96931087-G-A.
Other names: c.33C>T, p.Gly11= (NM_001193304.3).
Identifiers: ClinVar variation 823725 (VCV000823725.19), dbSNP rs1268280072, ClinGen allele CA427496500.

ClinVar aggregate classification (germline): Conflicting classifications of pathogenicity. Review status: criteria provided, conflicting classifications (1 of 4 stars). 5 submissions from 5 submitters: Uncertain significance (1); Benign (1); Likely benign (3). Last evaluated 2026-07-28.

Conditions:
Hereditary pheochromocytoma and paraganglioma. Also called: Hereditary pheochromocytoma-paraganglioma; Hereditary paragangliomas and pheochromocytomas; Hereditary Paraganglioma-Pheochromocytoma Syndromes. Identifiers: Orphanet 29072, MedGen C4274332, MONDO:0017366.
Hereditary cancer-predisposing syndrome. Also called: Hereditary neoplastic syndrome; Neoplastic Syndromes, Hereditary; Tumor predisposition; Hereditary Cancer Syndrome. Identifiers: Orphanet 140162, MedGen C0027672, MeSH D009386, MONDO:0015356.

Allele frequency attached by ClinVar (database versions not stated): gnomAD 0.00001; gnomAD exomes below 0.00001; TOPMed below 0.00001.
gnomAD v4.1: 6 of 1,503,156 alleles (0.0004%); highest among the groups gnomAD compares: Non-Finnish European, 0.00053%; no homozygotes.

Submissions (5):

Myriad Genetics, Inc.
Classification: Benign for Hereditary pheochromocytoma and paraganglioma. Last evaluated: 2026-07-28. Review status: criteria provided, single submitter. Criteria: Myriad Autosomal Dominant, Autosomal Recessive and X-Linked Classification Criteria (2023). Collection method: clinical testing. Allele origin: unknown.
Comment: This variant is considered benign. This variant is a silent/synonymous amino acid change and it is not expected to impact splicing.

CeGaT Center for Human Genetics Tuebingen
Classification: Likely benign. Last evaluated: 2026-03-01. Review status: criteria provided, single submitter. Criteria: CeGaT Center For Human Genetics Tuebingen Variant Classification Criteria Version 2. Collection method: clinical testing. Allele origin: germline. Affected: yes. Observed: 1 variant allele.
Comment: TMEM127: BP4, BP7

Quest Diagnostics Nichols Institute San Juan Capistrano
Classification: Uncertain significance. Last evaluated: 2025-06-25. Review status: criteria provided, single submitter. Criteria: Quest Diagnostics criteria. Collection method: clinical testing. Allele origin: unknown.
Comment: The TMEM127 c.33C>T (p.Gly11=) synonymous variant has not been reported in individuals with TMEM127-related conditions in the published literature. The frequency of this variant in the general population (Genome Aggregation Database) is uninformative in the assessment of its pathogenicity. Analysis of this variant using software algorithms for the prediction of the effect of nucleotide changes on TMEM127 mRNA splicing yielded predictions that this variant may result in the gain of a cryptic splice site without affecting the natural splice sites. Based on the available information, we are unable to determine the clinical significance of this variant.

Labcorp Genetics (formerly Invitae), Labcorp
Classification: Likely benign for Hereditary pheochromocytoma and paraganglioma. Last evaluated: 2025-04-20. Review status: criteria provided, single submitter. Criteria: Invitae Variant Classification Sherloc (09022015). Collection method: clinical testing. Allele origin: germline.

Ambry Genetics
Classification: Likely benign for Hereditary cancer-predisposing syndrome. Last evaluated: 2019-05-05. Review status: criteria provided, single submitter. Criteria: Ambry Variant Classification Scheme 2023. Collection method: clinical testing. Allele origin: germline.